The following is an entry in ClinVar:

NM_000091.5(COL4A3):c.1015_1016insTGAAA (p.Gly339fs)

Genes: COL4A3 (collagen type IV alpha 3 chain; plus strand), MFF-DT (MFF divergent transcript; minus strand). Cytogenetic location: 2q36.3.
Variant type: Insertion.
Coding change: c.1015_1016insTGAAA on transcript NM_000091.5 (MANE Select); coding-DNA positions 1015 to 1016, TGAAA inserted.
Protein change: p.Gly339fs; shifts the reading frame from glycine 339.
Molecular consequence: frameshift variant.
Genome position: GRCh38 VCF-style: chr2-227257630-G-GTGAAA. GRCh37 (hg19) VCF-style: chr2-228122346-G-GTGAAA.
Other names: short protein forms G339fs.
Identifiers: ClinVar variation 1725419 (VCV001725419.2), dbSNP rs2469594045, ClinGen allele CA2580065893.

ClinVar aggregate classification (germline): Likely pathogenic (1 of 4 stars; one submission).

Conditions:
Autosomal recessive Alport syndrome (ATS2). Also called: COL4A3-Related Nephropathy; COL4A4 Alport Syndrome and Thin Basement Membrane Nephropathy; ALPORT SYNDROME 2, AUTOSOMAL RECESSIVE; Alport syndrome type 2. Identifiers: Orphanet 63, Orphanet 88919, MedGen C4746745, MONDO:0008762, OMIM 203780.

Submission:

Myriad Genetics, Inc.
Classification: Likely pathogenic for Autosomal recessive Alport syndrome. Last evaluated: 2022-03-20. Review status: criteria provided, single submitter. Criteria: Myriad Women's Health Autosomal Recessive and X-Linked Classification Criteria (2021). Collection method: clinical testing. Allele origin: unknown.
Comment: NM_000091.4(COL4A3):c.1015_1016ins5(G339Vfs*63) is expected to be pathogenic in the context of COL4A3-related Alport syndrome. This variant is predicted to lead to an abnormal or absent protein product due to the creation of a premature termination codon in COL4A3, a gene where loss-of-function variants are known to be pathogenic. Please note: this variant was assessed in the context of healthy population screening.